The following is an entry in ClinVar:

ClinVar aggregate classification (germline): Likely pathogenic (1 of 4 stars; one submission).

Conditions:
Intellectual developmental disorder with or without epilepsy or cerebellar ataxia. Identifiers: MedGen C4748041, MONDO:0060745, OMIM 618060.

Submission:

OLLIN Analises Genomicas, OLLIN
Classification: Likely pathogenic for Intellectual developmental disorder with or without epilepsy or cerebellar ataxia. Last evaluated: 2025-07-20. Review status: criteria provided, single submitter. Criteria: ACMG Guidelines 2015 PMID 25741868. Collection method: clinical testing. Allele origin: germline. Affected: yes. Observed: 1 variant allele.
Comment: The variant located at the canonical splicing site (splice donor) (chr15:60505506AC>G), situated in intron 6 (of 11 exons), is not reported in the gnomAD v4.1 non-UKB and ClinVar databases, nor was it found in the scientific literature. This variant is predicted to disrupt the canonical splice site, resulting in a truncated protein, or in mRNA degradation via nonsense-mediated decay (NMD). According to currently available evidence, this variant has been classified as likely pathogenic (PVS1, PM2_P).

NM_134261.3(RORA):c.942+1_942+2delinsC

Genes: RORA (RAR related orphan receptor A; minus strand), RORA-AS1 (RORA antisense RNA 1; plus strand). Cytogenetic location: 15q22.2.
Variant type: Indel.
Coding change: c.942+1_942+2delinsC on transcript NM_134261.3 (MANE Select); the canonical splice donor site of the intron after coding-DNA position 942, GT replaced by C.
Molecular consequence: splice donor variant.
Genome position (GRCh38, 1-based): chr15:60,505,506-60,505,507, AC replaced by G on the plus strand (GT replaced by C on the coding strand, the reverse complement: RORA is on the minus strand). VCF-style: chr15-60505506-AC-G. GRCh37 (hg19) VCF-style: chr15-60797705-AC-G.
Other names: c.1041+1_1041+2delinsC (NM_134260.3); c.1017+1_1017+2delinsC (NM_002943.4); c.777+1_777+2delinsC (NM_134262.3).
Identifiers: ClinVar variation 4814156 (VCV004814156.1).